The following is an entry in ClinVar:

NM_003924.4(PHOX2B):c.194G>T (p.Cys65Phe)

Genes: PHOX2B (paired like homeobox 2B; minus strand), PHOX2B-AS1 (PHOX2B antisense RNA 1; plus strand). Cytogenetic location: 4p13.
Variant type: single nucleotide variant.
Coding change: c.194G>T on transcript NM_003924.4 (MANE Select); coding-DNA position 194, G replaced by T.
Protein change: p.Cys65Phe; replaces cysteine 65 with phenylalanine.
Molecular consequence: missense variant. On other transcripts: non-coding transcript variant (1).
Genome position (GRCh38, 1-based): chr4:41,748,417, C>A on the plus strand (G>T on the coding strand, the complement: PHOX2B is on the minus strand). VCF-style: chr4-41748417-C-A. GRCh37 (hg19) VCF-style: chr4-41750434-C-A.
Other names: short protein forms C65F.
Identifiers: ClinVar variation 2736232 (VCV002736232.3), dbSNP rs2153113045, ClinGen allele CA356740882.

ClinVar aggregate classification (germline): Uncertain significance (1 of 4 stars; one submission).

Conditions:
Haddad syndrome (OHD). Also called: Ondine-Hirschsprung disease. Identifiers: Orphanet 99803, MedGen C1859049, MONDO:0020493.

Submission:

Labcorp Genetics (formerly Invitae), Labcorp
Classification: Uncertain significance for Haddad syndrome. Last evaluated: 2024-04-15. Review status: criteria provided, single submitter. Criteria: Invitae Variant Classification Sherloc (09022015). Collection method: clinical testing. Allele origin: germline.
Comment: This sequence change replaces cysteine, which is neutral and slightly polar, with phenylalanine, which is neutral and non-polar, at codon 65 of the PHOX2B protein (p.Cys65Phe). This variant is not present in population databases (gnomAD no frequency). This variant has not been reported in the literature in individuals affected with PHOX2B-related conditions. Advanced modeling of protein sequence and biophysical properties (such as structural, functional, and spatial information, amino acid conservation, physicochemical variation, residue mobility, and thermodynamic stability) performed at Invitae indicates that this missense variant is expected to disrupt PHOX2B protein function with a positive predictive value of 80%. In summary, the available evidence is currently insufficient to determine the role of this variant in disease. Therefore, it has been classified as a Variant of Uncertain Significance.